The following is an entry in ClinVar:

ClinVar aggregate classification (germline): Uncertain significance (1 of 4 stars; one submission).

Conditions:
Hereditary cancer-predisposing syndrome. Also called: Neoplastic Syndromes, Hereditary; Tumor predisposition; Hereditary neoplastic syndrome; Hereditary Cancer Syndrome. Identifiers: Orphanet 140162, MedGen C0027672, MeSH D009386, MONDO:0015356.

Submission:

Ambry Genetics
Classification: Uncertain significance for Hereditary cancer-predisposing syndrome. Last evaluated: 2026-08-17. Review status: criteria provided, single submitter. Criteria: Ambry Variant Classification Scheme 2023. Collection method: clinical testing. Allele origin: germline.
Comment: The c.759+5G>A intronic variant results from a G to A substitution 5 nucleotides after coding exon 4 in the PDGFRA gene. This nucleotide position is well conserved in available vertebrate species. In silico splice site analysis predicts that this alteration will weaken the native splice donor site. Based on the available evidence, the clinical significance of this variant remains unclear.

NM_006206.6(PDGFRA):c.759+5G>A

Gene: PDGFRA (platelet derived growth factor receptor alpha; plus strand). Cytogenetic location: 4q12.
Variant type: single nucleotide variant.
Coding change: c.759+5G>A on transcript NM_006206.6 (MANE Select); 5 bases into the intron after coding-DNA position 759, G replaced by A.
Molecular consequence: intron variant.
Genome position (GRCh38, 1-based): chr4:54,265,054, G>A. VCF-style: chr4-54265054-G-A. GRCh37 (hg19) VCF-style: chr4-55131221-G-A.
Other names: c.834+5G>A (NM_001347828.2); c.759+5G>A (NM_001347827.2, NM_001347829.2); c.798+5G>A (NM_001347830.2).
Identifiers: ClinVar variation 5026395 (VCV005026395.1).